The following is an entry in ClinVar:

NM_007294.4(BRCA1):c.4564T>C (p.Tyr1522His)

Gene: BRCA1 (BRCA1 DNA repair associated; minus strand). Cytogenetic location: 17q21.31.
Variant type: single nucleotide variant.
Coding change: c.4564T>C on transcript NM_007294.4 (MANE Select); coding-DNA position 4564, T replaced by C.
Protein change: p.Tyr1522His; replaces tyrosine 1522 with histidine.
Molecular consequence: missense variant. On other transcripts: non-coding transcript variant (1).
Genome position (GRCh38, 1-based): chr17:43,074,442, A>G on the plus strand (T>C on the coding strand, the complement: BRCA1 is on the minus strand). VCF-style: chr17-43074442-A-G. GRCh37 (hg19) VCF-style: chr17-41226459-A-G.
Other names: c.4438T>C, p.Tyr1480His (NM_001407939.1, NM_001407940.1, NM_001407670.1 and 11 more transcripts); c.4420T>C, p.Tyr1474His (NM_001407944.1, NM_001407943.1, NM_001407945.1 and 21 more transcripts); c.4435T>C, p.Tyr1479His (NM_001407941.1, NM_001407681.1, NM_001407682.1 and 6 more transcripts); c.4423T>C, p.Tyr1475His (NM_001407942.1, NM_001407692.1, NM_001407694.1 and 13 more transcripts); c.4351T>C, p.Tyr1451His (NM_001407571.1, NM_001407894.1, NM_001407895.1 and 12 more transcripts); c.4630T>C, p.Tyr1544His (NM_001407581.1, NM_001407582.1); c.4627T>C, p.Tyr1543His (NM_001407583.1, NM_001407585.1, NM_001407587.1 and 1 more transcripts); c.4624T>C, p.Tyr1542His (NM_001407590.1, NM_001407591.1); and 68 more; short protein forms Y1522H, Y1475H, Y418H, Y1543H, Y1393H, Y1432H, Y1450H, Y1452H.
Identifiers: ClinVar variation 627833 (VCV000627833.7), dbSNP rs1567778091, ClinGen allele CA10592385.

ClinVar aggregate classification (germline): Uncertain significance. Review status: criteria provided, multiple submitters, no conflicts (2 of 4 stars). 2 submissions from 2 submitters: Uncertain significance (2). Last evaluated 2023-03-04.

Conditions:
Hereditary cancer-predisposing syndrome. Also called: Tumor predisposition; Hereditary Cancer Syndrome; Neoplastic Syndromes, Hereditary; Hereditary neoplastic syndrome. Identifiers: Orphanet 140162, MedGen C0027672, MeSH D009386, MONDO:0015356.
Hereditary breast ovarian cancer syndrome. Also called: BRCA1- and BRCA2-Associated Hereditary Breast and Ovarian Cancer; Hereditary breast and ovarian cancer syndrome; Hereditary breast and ovarian cancer; Hereditary breast and ovarian cancer syndrome (HBOC); Hereditary breast and/or ovarian cancer syndrome; Breast and ovarian cancer. Identifiers: Orphanet 145, MedGen C0677776, MeSH D061325, MONDO:0003582. Disease mechanism: loss of function.

Allele frequency attached by ClinVar (database versions not stated): gnomAD exomes below 0.00001.
gnomAD v4.1: 4 of 1,614,098 alleles (0.00025%); highest among the groups gnomAD compares: Non-Finnish European, 0.00034%; no homozygotes.

Submissions (2):

Labcorp Genetics (formerly Invitae), Labcorp
Classification: Uncertain significance for Hereditary breast ovarian cancer syndrome. Last evaluated: 2023-03-04. Review status: criteria provided, single submitter. Criteria: Invitae Variant Classification Sherloc (09022015). Collection method: clinical testing. Allele origin: germline.
Comment: This sequence change replaces tyrosine, which is neutral and polar, with histidine, which is basic and polar, at codon 1522 of the BRCA1 protein (p.Tyr1522His). This variant is not present in population databases (gnomAD no frequency). This variant has not been reported in the literature in individuals affected with BRCA1-related conditions. ClinVar contains an entry for this variant (Variation ID: 627833). Advanced modeling of protein sequence and biophysical properties (such as structural, functional, and spatial information, amino acid conservation, physicochemical variation, residue mobility, and thermodynamic stability) performed at Invitae indicates that this missense variant is not expected to disrupt BRCA1 protein function. In summary, the available evidence is currently insufficient to determine the role of this variant in disease. Therefore, it has been classified as a Variant of Uncertain Significance.

Color Diagnostics, LLC DBA Color Health
Classification: Uncertain significance for Hereditary cancer-predisposing syndrome. Last evaluated: 2019-06-16. Review status: criteria provided, single submitter. Criteria: ACMG Guidelines, 2015. Collection method: clinical testing. Allele origin: germline.